The following is an entry in ClinVar:

NM_052876.4(NACC1):c.783G>A (p.Arg261=)

Gene: NACC1 (nucleus accumbens associated 1; plus strand). Cytogenetic location: 19p13.13.
Variant type: single nucleotide variant.
Coding change: c.783G>A on transcript NM_052876.4 (MANE Select); coding-DNA position 783, G replaced by A.
Protein change: p.Arg261=; no amino-acid change (arginine 261 retained).
Molecular consequence: synonymous variant.
Genome position (GRCh38, 1-based): chr19:13,135,990, G>A. VCF-style: chr19-13135990-G-A. GRCh37 (hg19) VCF-style: chr19-13246804-G-A.
Identifiers: ClinVar variation 1660806 (VCV001660806.31), dbSNP rs1257138098, ClinGen allele CA505782809.

ClinVar aggregate classification (germline): Likely benign. Review status: criteria provided, multiple submitters, no conflicts (2 of 4 stars). 2 submissions from 2 submitters: Likely benign (2). Last evaluated 2023-07-14.

Allele frequency attached by ClinVar (database versions not stated): gnomAD exomes below 0.00001.
gnomAD v4.1: 5 of 1,612,210 alleles (0.00031%); highest among the groups gnomAD compares: Middle Eastern, 0.017%; no homozygotes.

Submissions (2):

Labcorp Genetics (formerly Invitae), Labcorp
Classification: Likely benign. Last evaluated: 2023-07-14. Review status: criteria provided, single submitter. Criteria: Invitae Variant Classification Sherloc (09022015). Collection method: clinical testing. Allele origin: germline.

CeGaT Center for Human Genetics Tuebingen
Classification: Likely benign. Last evaluated: 2022-03-01. Review status: criteria provided, single submitter. Criteria: CeGaT Center For Human Genetics Tuebingen Variant Classification Criteria Version 2. Collection method: clinical testing. Allele origin: germline. Affected: yes. Observed: 1 variant allele.
Comment: NACC1: BP4, BP7